The following is an entry in ClinVar:

NM_024996.7(GFM1):c.2215A>G (p.Thr739Ala)

Gene: GFM1 (G elongation factor mitochondrial 1; plus strand). Cytogenetic location: 3q25.32.
Variant type: single nucleotide variant.
Coding change: c.2215A>G on transcript NM_024996.7 (MANE Select); coding-DNA position 2215, A replaced by G.
Protein change: p.Thr739Ala; replaces threonine 739 with alanine.
Molecular consequence: missense variant. On other transcripts: non-coding transcript variant (4).
Genome position (GRCh38, 1-based): chr3:158,691,426, A>G. VCF-style: chr3-158691426-A-G. GRCh37 (hg19) VCF-style: chr3-158409215-A-G.
Other names: c.2272A>G, p.Thr758Ala (NM_001308164.2); c.2134A>G, p.Thr712Ala (NM_001374355.1); c.2098A>G, p.Thr700Ala (NM_001374356.1); c.1990A>G, p.Thr664Ala (NM_001374357.1); c.1756A>G, p.Thr586Ala (NM_001374358.1); c.1648A>G, p.Thr550Ala (NM_001374359.1); c.1594A>G, p.Thr532Ala (NM_001374360.1); c.1531A>G, p.Thr511Ala (NM_001374361.1); short protein forms T511A, T532A, T664A, T758A, T586A, T700A, T550A, T712A.
Identifiers: ClinVar variation 2257844 (VCV002257844.3), dbSNP rs201634749, ClinGen allele CA2683131.
Genomic context (GRCh38, chr3:158,691,426, plus strand): 5'-AGGTATCAGCCATGTTTACCATCCACACAAGAAGACGTCATTAATAAGTATTTGGAAGCT[A>G]CAGGTCAACTTCCTGTTAAAAAAGGAAAAGCCAAGAACTAACTTTGCTTACTGTGAGTTG-3'
Protein context (NP_079272.4, residues 729-749): EDVINKYLEA[Thr739Ala]GQLPVKKGKA

ClinVar aggregate classification (germline): Uncertain significance. Review status: criteria provided, multiple submitters, no conflicts (2 of 4 stars). 2 submissions from 2 submitters: Uncertain significance (2). Last evaluated 2025-07-01.

Conditions:
Inborn genetic diseases. Identifiers: MedGen C0950123, MeSH D030342.

Submissions (2):

Labcorp Genetics (formerly Invitae), Labcorp
Classification: Uncertain significance. Last evaluated: 2025-07-01. Review status: criteria provided, single submitter. Criteria: Invitae Variant Classification Sherloc (09022015). Collection method: clinical testing. Allele origin: germline.
Comment: This sequence change replaces threonine, which is neutral and polar, with alanine, which is neutral and non-polar, at codon 739 of the GFM1 protein (p.Thr739Ala). This variant is present in population databases (rs201634749, gnomAD 0.0009%). This variant has not been reported in the literature in individuals affected with GFM1-related conditions. ClinVar contains an entry for this variant (Variation ID: 2257844). Invitae Evidence Modeling of protein sequence and biophysical properties (such as structural, functional, and spatial information, amino acid conservation, physicochemical variation, residue mobility, and thermodynamic stability) has been performed for this missense variant. However, the output from this modeling did not meet the statistical confidence thresholds required to predict the impact of this variant on GFM1 protein function. In summary, the available evidence is currently insufficient to determine the role of this variant in disease. Therefore, it has been classified as a Variant of Uncertain Significance.

Ambry Genetics
Classification: Uncertain significance for Inborn genetic diseases. Last evaluated: 2021-10-29. Review status: criteria provided, single submitter. Criteria: Ambry Variant Classification Scheme 2023. Collection method: clinical testing. Allele origin: germline.